The following is an entry in ClinVar:

ClinVar aggregate classification (germline): Uncertain significance (1 of 4 stars; one submission).

Allele frequency attached by ClinVar (database versions not stated): ExAC 0.00005; 1000 Genomes Project 30x 0.00016; 1000 Genomes Project 0.00020.
gnomAD v4.1: 5 of 1,545,056 alleles (0.00032%); highest among the groups gnomAD compares: South Asian, 0.0012%; no homozygotes.

Submission:

Labcorp Genetics (formerly Invitae), Labcorp
Classification: Uncertain significance. Last evaluated: 2022-12-12. Review status: criteria provided, single submitter. Criteria: Invitae Variant Classification Sherloc (09022015). Collection method: clinical testing. Allele origin: germline.
Comment: In summary, the available evidence is currently insufficient to determine the role of this variant in disease. Therefore, it has been classified as a Variant of Uncertain Significance. Algorithms developed to predict the effect of missense changes on protein structure and function (SIFT, PolyPhen-2, Align-GVGD) all suggest that this variant is likely to be disruptive. This variant has not been reported in the literature in individuals affected with TET2-related conditions. This variant is not present in population databases (gnomAD no frequency). This sequence change replaces leucine, which is neutral and non-polar, with glutamine, which is neutral and polar, at codon 1322 of the TET2 protein (p.Leu1322Gln).

NM_001127208.3(TET2):c.3965T>A (p.Leu1322Gln)

Genes: TET2-AS1 (TET2 antisense RNA 1; minus strand), TET2 (tet methylcytosine dioxygenase 2; plus strand). Cytogenetic location: 4q24.
Variant type: single nucleotide variant.
Coding change: c.3965T>A on transcript NM_001127208.3 (MANE Select); coding-DNA position 3965, T replaced by A.
Protein change: p.Leu1322Gln; replaces leucine 1322 with glutamine.
Molecular consequence: missense variant.
Genome position (GRCh38, 1-based): chr4:105,261,769, T>A. VCF-style: chr4-105261769-T-A. GRCh37 (hg19) VCF-style: chr4-106182926-T-A.
Other names: short protein forms L1322Q.
Identifiers: ClinVar variation 2790637 (VCV002790637.3), dbSNP rs551797762, ClinGen allele CA3032160.